The following is an entry in ClinVar:

ClinVar aggregate classification (germline): Uncertain significance. Review status: criteria provided, multiple submitters, no conflicts (2 of 4 stars). 2 submissions from 2 submitters: Uncertain significance (2). Last evaluated 2023-09-22.

Conditions:
Inborn genetic diseases. Identifiers: MedGen C0950123, MeSH D030342.

gnomAD v4.1: 7 of 1,128,252 alleles (0.00062%); highest among the groups gnomAD compares: East Asian, 0.027%; no homozygotes.

Submissions (2):

Ambry Genetics
Classification: Uncertain significance for Inborn genetic diseases. Last evaluated: 2023-09-22. Review status: criteria provided, single submitter. Criteria: Ambry Variant Classification Scheme 2023. Collection method: clinical testing. Allele origin: germline.

Labcorp Genetics (formerly Invitae), Labcorp
Classification: Uncertain significance. Last evaluated: 2022-08-23. Review status: criteria provided, single submitter. Criteria: Invitae Variant Classification Sherloc (09022015). Collection method: clinical testing. Allele origin: germline.
Comment: This sequence change replaces arginine, which is basic and polar, with leucine, which is neutral and non-polar, at codon 57 of the TAPT1 protein (p.Arg57Leu). This variant is not present in population databases (gnomAD no frequency). This variant has not been reported in the literature in individuals affected with TAPT1-related conditions. Algorithms developed to predict the effect of missense changes on protein structure and function are either unavailable or do not agree on the potential impact of this missense change (SIFT: "Deleterious"; PolyPhen-2: "Benign"; Align-GVGD: "Class C0"). In summary, the available evidence is currently insufficient to determine the role of this variant in disease. Therefore, it has been classified as a Variant of Uncertain Significance.

NM_153365.3(TAPT1):c.170G>T (p.Arg57Leu)

Genes: TAPT1 (transmembrane anterior posterior transformation 1; minus strand), LOC129992296 (ATAC-STARR-seq lymphoblastoid silent region 15304; plus strand). Cytogenetic location: 4p15.32.
Variant type: single nucleotide variant.
Coding change: c.170G>T on transcript NM_153365.3 (MANE Select); coding-DNA position 170, G replaced by T.
Protein change: p.Arg57Leu; replaces arginine 57 with leucine.
Molecular consequence: missense variant.
Genome position (GRCh38, 1-based): chr4:16,226,288, C>A on the plus strand (G>T on the coding strand, the complement: TAPT1 is on the minus strand). VCF-style: chr4-16226288-C-A. GRCh37 (hg19) VCF-style: chr4-16227911-C-A.
Other names: c.170G>T (NM_153365.2); short protein forms R57L.
Identifiers: ClinVar variation 1928094 (VCV001928094.6), dbSNP rs1248746825, ClinGen allele CA356490418.
Genomic context (GRCh38, chr4:16,226,288, plus strand): 5'-GCCCGCCACGGCCTAGCGCCGCCCGCCTCACCTGTGCGGCCCCGGCGCCTCTCCCGCCGC[C>A]GGTCGCTCTCGTAGAAGCCCAGCGTCTCTGTGAGCTGAGGCGCCGGCGGGGGCCCCTGTC-3'
Protein context (NP_699196.2, residues 47-67): TETLGFYESD[Arg57Leu]RRERRRGRTE